The following is an entry in ClinVar:

NM_000059.4(BRCA2):c.4933_4935del (p.Lys1645del)

Gene: BRCA2 (BRCA2 DNA repair associated; plus strand). Cytogenetic location: 13q13.1.
Variant type: Deletion.
Coding change: c.4933_4935del on transcript NM_000059.4 (MANE Select); coding-DNA positions 4933 to 4935, 3 bases deleted (AAA; older notation c.4933_4935delAAA).
Protein change: p.Lys1645del; deletes lysine 1645.
Molecular consequence: inframe deletion.
Genome position (GRCh38, 1-based): chr13:32,339,288-32,339,290, AAA deleted; deleting any 3 consecutive bases within chr13:32,339,286-32,339,290 gives the same sequence; the c. name uses the placement nearest the transcript's 3' end. VCF-style (leftmost placement, unchanged base first): chr13-32339285-GAAA-G. GRCh37 (hg19) VCF-style: chr13-32913422-GAAA-G.
Other names: c.4933_4935delAAA (NM_000059.3, NM_000059.4).
Identifiers: ClinVar variation 252422 (VCV000252422.29), dbSNP rs80359472, ClinGen allele CA6940827.

ClinVar aggregate classification (germline): Uncertain significance. Review status: criteria provided, multiple submitters, no conflicts (2 of 4 stars). 9 submissions from 9 submitters: Uncertain significance (9). Last evaluated 2026-03-26.

Conditions:
Hereditary cancer-predisposing syndrome. Also called: Tumor predisposition; Neoplastic Syndromes, Hereditary; Hereditary Cancer Syndrome; Hereditary neoplastic syndrome. Identifiers: Orphanet 140162, MedGen C0027672, MeSH D009386, MONDO:0015356.
Hereditary breast ovarian cancer syndrome. Also called: Hereditary breast and ovarian cancer; Hereditary breast and/or ovarian cancer syndrome; Hereditary breast and ovarian cancer syndrome (HBOC); Hereditary breast and ovarian cancer syndrome; Breast and ovarian cancer; BRCA1- and BRCA2-Associated Hereditary Breast and Ovarian Cancer. Identifiers: Orphanet 145, MedGen C0677776, MeSH D061325, MONDO:0003582. Disease mechanism: loss of function.
Breast-ovarian cancer, familial, susceptibility to, 2 (BROVCA2). Also called: BRCA2 Hereditary Breast and Ovarian Cancer. Identifiers: Orphanet 145, MedGen C2675520, MONDO:0012933, OMIM 612555. Disease mechanism: loss of function.

Submissions (9):

Women's Health and Genetics/Laboratory Corporation of America, LabCorp
Classification: Uncertain significance. Last evaluated: 2026-03-26. Review status: criteria provided, single submitter. Criteria: LabCorp Variant Classification Summary - May 2015. Collection method: clinical testing. Allele origin: germline.
Comment: Variant summary: BRCA2 c.4933_4935delAAA (p.Lys1645del) results in an in-frame deletion that is predicted to remove one amino acid from the encoded protein. The variant allele was found at a frequency of 4.1e-06 in 243486 control chromosomes. The available data on variant occurrences in the general population are insufficient to allow any conclusion about variant significance. c.4933_4935delAAA has been observed in an individual affected with Breast Cancer (Pinto_2016), however this individual also carried a co-occurring pathogenic variant (BRCA1 c.3817C>T, p.Gln1273Ter), providing supporting evidence for a benign role.. This report does not provide unequivocal conclusions about association of the variant with Hereditary Breast And Ovarian Cancer Syndrome. To our knowledge, no experimental evidence demonstrating an impact on protein function has been reported. The following publications have been ascertained in the context of this evaluation (PMID: 32850417, 27553368). ClinVar contains an entry for this variant (Variation ID: 252422). Based on the evidence outlined above, the variant was classified as uncertain significance.

Labcorp Genetics (formerly Invitae), Labcorp
Classification: Uncertain significance for Hereditary breast ovarian cancer syndrome. Last evaluated: 2025-12-19. Review status: criteria provided, single submitter. Criteria: Invitae Variant Classification Sherloc (09022015). Collection method: clinical testing. Allele origin: germline.
Comment: This variant, c.4933_4935del, results in the deletion of 1 amino acid(s) of the BRCA2 protein (p.Lys1645del), but otherwise preserves the integrity of the reading frame. This variant is present in population databases (rs761871715, gnomAD 0.003%). This variant has been observed in individual(s) with a personal and/or family history of breast and/or ovarian cancer (PMID: 27553368, 32850417). ClinVar contains an entry for this variant (Variation ID: 252422). Experimental studies and prediction algorithms are not available or were not evaluated, and the functional significance of this variant is currently unknown. In summary, the available evidence is currently insufficient to determine the role of this variant in disease. Therefore, it has been classified as a Variant of Uncertain Significance.

Ambry Genetics
Classification: Uncertain significance for Hereditary cancer-predisposing syndrome. Last evaluated: 2025-07-17. Review status: criteria provided, single submitter. Criteria: Ambry Variant Classification Scheme 2023. Collection method: clinical testing. Allele origin: germline.
Comment: The c.4933_4935delAAA variant (also known as p.K1645del) is located in coding exon 10 of the BRCA2 gene. This variant results from an in-frame AAA deletion at nucleotide positions 4933 to 4935. This results in the in-frame deletion of a lysine at codon 1645. In one study, this variant was detected in 1/80 Portuguese breast and/or ovarian cancer patients who were tested for BRCA1/2 mutations and who did not carry a founder mutation (Pinto P et al. Breast Cancer Res. Treat., 2016 Sep;159:245-56). This amino acid position is not well conserved in available vertebrate species. In addition, this alteration is predicted to be deleterious by in silico analysis (Choi Y et al. PLoS ONE. 2012; 7(10):e46688). Based on the available evidence, the clinical significance of this variant remains unclear.

Color Diagnostics, LLC DBA Color Health
Classification: Uncertain significance for Hereditary cancer-predisposing syndrome. Last evaluated: 2025-07-10. Review status: criteria provided, single submitter. Criteria: ACMG Guidelines, 2015. Collection method: clinical testing. Allele origin: germline.
Comment: This variant causes a deletion of 1 amino acid, lysine 1645, from the BRCA2 protein. To our knowledge, functional studies have not been reported for this variant. This variant has been observed in an individual affected with breast cancer, who also carried a pathogenic truncation variant in the BRCA1 gene (PMID: 27553368) and an individual affected with ovarian cancer (PMID: 32850417). Multifactorial analysis has reached a combined likelihood ratio (LR) of 1.235 based on reported LR for co-occurrence with a pathogenic variant and personal and family history for 2 carriers (PMID: 31131967, 31853058). This variant has been identified in 1/243486 chromosomes in the general population by the Genome Aggregation Database (gnomAD). The available evidence is insufficient to determine the role of this variant in disease conclusively. Therefore, this variant is classified as a Variant of Uncertain Significance.

Revvity Omics, Revvity
Classification: Uncertain significance. Last evaluated: 2025-06-19. Review status: criteria provided, single submitter. Criteria: ACMG Guidelines, 2015. Collection method: clinical testing. Allele origin: germline.

Institute for Biomarker Research, Medical Diagnostic Laboratories, L.L.C.
Classification: Uncertain significance for Hereditary breast ovarian cancer syndrome. Last evaluated: 2024-04-16. Review status: criteria provided, single submitter. Criteria: ACMG Guidelines, 2015. Collection method: clinical testing. Allele origin: germline.

All of Us Research Program, National Institutes of Health
Classification: Uncertain significance for Breast-ovarian cancer, familial, susceptibility to, 2. Last evaluated: 2023-08-15. Review status: criteria provided, single submitter. Criteria: ACMG Guidelines, 2015. Collection method: clinical testing. Allele origin: germline. Inheritance: Autosomal dominant inheritance. Observed: 2 variant alleles, 2 heterozygotes.
Comment: This variant causes a deletion of 1 amino acid, lysine 1645, from the BRCA2 protein. To our knowledge, functional studies have not been reported for this variant. This variant has been observed in an individual affected with early-onset breast cancer, who also carried a pathogenic truncation variant in the BRCA1 gene (PMID:27553368). This variant has been identified in 1/243486 chromosomes in the general population by the Genome Aggregation Database (gnomAD). The available evidence is insufficient to determine the role of this variant in disease conclusively. Therefore, this variant is classified as a Variant of Uncertain Significance.

This study involves interpretation of variants in research participants for the purpose of population health screening. Participant phenotype was not available at the time of variant classification. Additional details can be found in publication PMID: 35346344, PMCID: PMC8962531

Quest Diagnostics Nichols Institute San Juan Capistrano
Classification: Uncertain significance. Last evaluated: 2023-02-06. Review status: criteria provided, single submitter. Criteria: Quest Diagnostics criteria. Collection method: clinical testing. Allele origin: unknown.
Comment: The frequency of this variant in the general population, 0.0000041 (1/243486 chromosomes), is uninformative in assessment of its pathogenicity. In the published literature, the variant has been reported in an individual with breast cancer who also carried a pathogenic BRCA1 truncating variant (PMID: 27553368 (2016)). The variant has also been reported in an individual with ovarian cancer (PMID: 32850417 (2020)). Based on the available information, we are unable to determine the clinical significance of this variant.

Sema4
Classification: Uncertain significance for Hereditary cancer-predisposing syndrome. Last evaluated: 2021-07-16. Review status: criteria provided, single submitter. Criteria: Sema4 Curation Guidelines. Collection method: curation. Allele origin: germline.
Comment: The BRCA2 c.4933_4935delAAA (p.K1645del) variant has been reported in heterozygosity in at least one individual with breast cancer (PMID: 27553368). The patient also had a pathogenic BRCA1 variant. This in-frame deletion removes a not conserved amino acid without altering the integrity of reading frame. It was observed in 1/243486 chromosomes in the large and broad cohorts of the Genome Aggregation Database. The variant has been reported in ClinVar (Variation ID 252422). The evidence is insufficient to meet ACMG/AMP criteria for classifying the variant as benign or pathogenic. Thus, the clinical significance of this variant is currently uncertain.

Literature cited by the submitters: PubMed 27553368 (cited by 7 submitters); PubMed 32850417 (cited by 5 submitters); PubMed 29483665 (cited by Ambry Genetics); PubMed 31131967 (cited by Color Diagnostics, LLC DBA Color Health); PubMed 31853058 (cited by Color Diagnostics, LLC DBA Color Health); PubMed 26295337 (cited by Quest Diagnostics Nichols Institute San Juan Capistrano).